The following is an entry in ClinVar:

ClinVar aggregate classification (germline): Pathogenic (1 of 4 stars; one submission).

Conditions:
Ehlers-Danlos syndrome, classic type (cEDS). Identifiers: Orphanet 287, MedGen C4225429, MONDO:0007522.

Submission:

Division of Biology and Genetics, University of Brescia
Classification: Pathogenic for Ehlers-Danlos syndrome, classic type, 1. Review status: criteria provided, single submitter. Criteria: ACMG Guidelines, 2015. Collection method: clinical testing. Allele origin: de novo. Inheritance: Autosomal dominant inheritance. Affected: yes. Observed: 1 heterozygote.
Comment: Sanger Sequencing disclosed in COL5A1 exon 43 a de novo heterozygous duplication of 63 nucleotides c.3369_3431dup predicted to cause the in-frame duplication of 21 amino acid residues [p.(Glu1124_Gly1144dup)] within the triple helical domain of the protein, thus, likely exerting a dominant negative effect. Since the variant was not reported neither in literature nor in any variant database, it was submitted to the EDS Leiden Open Variation Database (LOVD) (Dalgleish, 1998) (DB-ID COL5A1_00218).

Literature cited by the submitters: PubMed 32720758.

NM_000093.4(COL5A1):c.3369_3431dup

Gene: COL5A1 (collagen type V alpha 1 chain; plus strand). Cytogenetic location: 9q34.3.
Variant type: Duplication.
Coding change: c.3369_3431dup on transcript NM_000093.4; coding-DNA positions 3369 to 3431, 63 bases duplicated.
Genome position (GRCh38, 1-based): chr9:134,809,185-134,809,247, 63 bases duplicated. GRCh37 (hg19): chr9:137,701,031-137,701,093.
Identifiers: ClinVar variation 978465 (VCV000978465.5), dbSNP rs1838416489, ClinGen allele CA1139661334.